The following is an entry in ClinVar:

NM_006996.3(SLC19A2):c.1486A>G (p.Thr496Ala)

Gene: SLC19A2 (solute carrier family 19 member 2; minus strand). Cytogenetic location: 1q24.2.
Variant type: single nucleotide variant.
Coding change: c.1486A>G on transcript NM_006996.3 (MANE Select); coding-DNA position 1486, A replaced by G.
Protein change: p.Thr496Ala; replaces threonine 496 with alanine.
Molecular consequence: missense variant.
Genome position (GRCh38, 1-based): chr1:169,465,857, T>C on the plus strand (A>G on the coding strand, the complement: SLC19A2 is on the minus strand). VCF-style: chr1-169465857-T-C. GRCh37 (hg19) VCF-style: chr1-169435095-T-C.
Other names: c.883A>G, p.Thr295Ala (NM_001319667.1); short protein forms T496A, T295A.
Identifiers: ClinVar variation 293521 (VCV000293521.56), dbSNP rs769397647, ClinGen allele CA1232820.

ClinVar aggregate classification (germline): Conflicting classifications of pathogenicity. Review status: criteria provided, conflicting classifications (1 of 4 stars). 6 submissions from 6 submitters: Uncertain significance (3); Benign (1); Likely benign (2). Last evaluated 2026-01-29.

Conditions:
SLC19A2-related disorder. Also called: SLC19A2-related condition.
Megaloblastic anemia, thiamine-responsive, with diabetes mellitus and sensorineural deafness (TRMA). Also called: THIAMINE-RESPONSIVE ANEMIA SYNDROME; THIAMINE-RESPONSIVE MYELODYSPLASIA; THIAMINE METABOLISM DYSFUNCTION SYNDROME 1 (MEGALOBLASTIC ANEMIA, DIABETES MELLITUS, AND DEAFNESS TYPE); ROGERS SYNDROME; Thiamine-Responsive Megaloblastic Anemia Syndrome. Identifiers: Orphanet 49827, MedGen C0342287, MONDO:0009575, OMIM 249270.

Allele frequency attached by ClinVar (database versions not stated): gnomAD exomes 0.00008 and 0.00020; gnomAD 0.00009; TOPMed 0.00010; ExAC 0.00020.
gnomAD v4.1: 136 of 1,613,888 alleles (0.0084%); highest among the groups gnomAD compares: Non-Finnish European, 0.0014%; no homozygotes.

Submissions (6):

PreventionGenetics, part of Exact Sciences
Classification: Likely benign for SLC19A2-related condition. Last evaluated: 2026-01-29. Review status: criteria provided, single submitter. Criteria: ACMG Guidelines, 2015. Collection method: clinical testing. Allele origin: germline.
Comment: This variant is classified as likely benign based on ACMG/AMP sequence variant interpretation guidelines (Richards et al. 2015 PMID: 25741868, with internal and published modifications).

Labcorp Genetics (formerly Invitae), Labcorp
Classification: Benign. Last evaluated: 2025-12-01. Review status: criteria provided, single submitter. Criteria: Invitae Variant Classification Sherloc (09022015). Collection method: clinical testing. Allele origin: germline.

Fulgent Genetics
Classification: Uncertain significance for Megaloblastic anemia, thiamine-responsive, with diabetes mellitus and sensorineural deafness. Last evaluated: 2024-01-11. Review status: criteria provided, single submitter. Criteria: ACMG Guidelines, 2015. Collection method: clinical testing. Allele origin: germline.

GeneDx
Classification: Uncertain significance. Last evaluated: 2023-05-11. Review status: criteria provided, single submitter. Criteria: GeneDx Variant Classification Process June 2021. Collection method: clinical testing. Allele origin: germline. Affected: yes.
Comment: In silico analysis supports that this missense variant does not alter protein structure/function; Has not been previously published as pathogenic or benign to our knowledge

Illumina Laboratory Services, Illumina
Classification: Uncertain significance for Megaloblastic anemia, thiamine-responsive, with diabetes mellitus and sensorineural deafness. Last evaluated: 2018-01-12. Review status: criteria provided, single submitter. Criteria: ICSL Variant Classification Criteria 13 December 2019. Collection method: clinical testing. Allele origin: germline.

CeGaT Center for Human Genetics Tuebingen
Classification: Likely benign. Last evaluated: 2017-09-01. Review status: criteria provided, single submitter. Criteria: CeGaT Center For Human Genetics Tuebingen Variant Classification Criteria Version 2. Collection method: clinical testing. Allele origin: germline. Affected: yes. Observed: 1 variant allele.